The following is an entry in ClinVar:

NM_006516.4(SLC2A1):c.1155C>T (p.Pro385=)

Gene: SLC2A1 (solute carrier family 2 member 1; minus strand). Cytogenetic location: 1p34.2.
Variant type: single nucleotide variant.
Coding change: c.1155C>T on transcript NM_006516.4 (MANE Select); coding-DNA position 1155, C replaced by T.
Protein change: p.Pro385=; no amino-acid change (proline 385 retained).
Molecular consequence: synonymous variant.
Genome position (GRCh38, 1-based): chr1:42,927,728, G>A on the plus strand (C>T on the coding strand, the complement: SLC2A1 is on the minus strand). VCF-style: chr1-42927728-G-A. GRCh37 (hg19) VCF-style: chr1-43393399-G-A.
Identifiers: ClinVar variation 378613 (VCV000378613.19), dbSNP rs76860965, ClinGen allele CA803332.
Genomic context (GRCh38, chr1:42,927,728, plus strand): 5'-GGCAATGGCAGCTGGACGTGGACCCTGGCTGAAGAGTTCAGCCACGATGAACCATGGGAT[G>A]GGGCCAGGACCCACTTCAAAGAAGGCCACAAAGCCAAAGATGGCCACGATGCTCAGATAG-3'
Protein context (NP_006507.2, residues 375-395): FVAFFEVGPG[Pro385=]IPWFIVAELF

ClinVar aggregate classification (germline): Benign/Likely benign. Review status: criteria provided, multiple submitters, no conflicts (2 of 4 stars). 9 submissions from 5 submitters: Benign (3); Likely benign (6). Last evaluated 2025-07-14.

Conditions:
Inborn genetic diseases. Identifiers: MedGen C0950123, MeSH D030342.
Hereditary cryohydrocytosis with reduced stomatin. Also called: GLUT1 DEFICIENCY SYNDROME WITH PSEUDOHYPERKALEMIA AND HEMOLYSIS; Stomatin-deficient cryohydrocytosis with neurologic defects. Identifiers: Orphanet 168577, MedGen C1837206, MONDO:0012143, OMIM 608885.
Dystonia 9 (DYT9). Also called: CHOREOATHETOSIS, KINESIGENIC, WITH EPISODIC ATAXIA AND SPASTICITY. Identifiers: Orphanet 53583, MedGen C1832855, MONDO:0010983, OMIM 601042.
Epilepsy, idiopathic generalized, susceptibility to, 12 (EIG12). Identifiers: MedGen C3553859, MONDO:0013919, OMIM 614847.
GLUT1 deficiency syndrome 1, autosomal recessive. Identifiers: MedGen C3149117.
Encephalopathy due to GLUT1 deficiency. Also called: Classic Glucose Transporter Type 1 Deficiency Syndrome; GLUT1 deficiency syndrome 1, infantile onset, severe; GLUCOSE TRANSPORT DEFECT, BLOOD-BRAIN BARRIER; GLUT1 deficiency syndrome 1; De Vivo disease; Glucose transporter protein syndrome. Identifiers: Orphanet 71277, MedGen C4551966, MONDO:0011724, OMIM 606777.
Childhood onset GLUT1 deficiency syndrome 2. Also called: GLUT1 deficiency syndrome 2; Exertion-induced paroxysmal dyskinesia; PxMD-SLC2A1; Paroxysmal exercise-induced dystonia; PAROXYSMAL EXERCISE-INDUCED DYSKINESIA WITH OR WITHOUT EPILEPSY AND/OR HEMOLYTIC ANEMIA; PAROXYSMAL EXERTION-INDUCED DYSTONIA WITH OR WITHOUT EPILEPSY AND/OR HEMOLYTIC ANEMIA. Identifiers: Orphanet 98811, MedGen C1842534, MONDO:0012805, OMIM 612126.

Allele frequency attached by ClinVar (database versions not stated): gnomAD below 0.00001 and 0.00003; 1000 Genomes Project 30x 0.00016; 1000 Genomes Project 0.00020; ExAC 0.00025.
gnomAD v4.1: 154 of 1,614,126 alleles (0.0095%); highest among the groups gnomAD compares: South Asian, 0.17%; 1 homozygote.

Submissions (9):

Labcorp Genetics (formerly Invitae), Labcorp
Classification: Benign for GLUT1 deficiency syndrome 1, autosomal recessive. Last evaluated: 2025-07-14. Review status: criteria provided, single submitter. Criteria: Invitae Variant Classification Sherloc (09022015). Collection method: clinical testing. Allele origin: germline.

Genome-Nilou Lab
Classification: Likely benign for Epilepsy, idiopathic generalized, susceptibility to, 12. Last evaluated: 2023-04-11. Review status: criteria provided, single submitter. Criteria: ACMG Guidelines, 2015. Collection method: clinical testing. Allele origin: germline. Affected: no.

Genome-Nilou Lab
Classification: Likely benign for Dystonia 9. Last evaluated: 2023-04-11. Review status: criteria provided, single submitter. Criteria: ACMG Guidelines, 2015. Collection method: clinical testing. Allele origin: germline. Affected: no.

Genome-Nilou Lab
Classification: Likely benign for Encephalopathy due to GLUT1 deficiency. Last evaluated: 2023-04-11. Review status: criteria provided, single submitter. Criteria: ACMG Guidelines, 2015. Collection method: clinical testing. Allele origin: germline. Affected: no.

Genome-Nilou Lab
Classification: Likely benign for Childhood onset GLUT1 deficiency syndrome 2. Last evaluated: 2023-04-11. Review status: criteria provided, single submitter. Criteria: ACMG Guidelines, 2015. Collection method: clinical testing. Allele origin: germline. Affected: no.

Genome-Nilou Lab
Classification: Likely benign for Hereditary cryohydrocytosis with reduced stomatin. Last evaluated: 2023-04-11. Review status: criteria provided, single submitter. Criteria: ACMG Guidelines, 2015. Collection method: clinical testing. Allele origin: germline. Affected: no.

Athena Diagnostics
Classification: Benign. Last evaluated: 2018-02-28. Review status: criteria provided, single submitter. Criteria: Athena Diagnostics Criteria. Collection method: clinical testing. Allele origin: germline.

Ambry Genetics
Classification: Likely benign for Inborn genetic diseases. Last evaluated: 2017-05-18. Review status: criteria provided, single submitter. Criteria: Ambry Variant Classification Scheme 2023. Collection method: clinical testing. Allele origin: germline.

GeneDx
Classification: Benign. Last evaluated: 2015-03-30. Review status: criteria provided, single submitter. Criteria: GeneDx Variant Classification (06012015). Collection method: clinical testing. Allele origin: germline. Affected: yes.
Comment: This variant is considered likely benign or benign based on one or more of the following criteria: it is a conservative change, it occurs at a poorly conserved position in the protein, it is predicted to be benign by multiple in silico algorithms, and/or has population frequency not consistent with disease.